The following is an entry in ClinVar:

NM_001127208.3(TET2):c.2018T>C (p.Val673Ala)

Genes: TET2 (tet methylcytosine dioxygenase 2; plus strand), TET2-AS1 (TET2 antisense RNA 1; minus strand). Cytogenetic location: 4q24.
Variant type: single nucleotide variant.
Coding change: c.2018T>C on transcript NM_001127208.3 (MANE Select); coding-DNA position 2018, T replaced by C.
Protein change: p.Val673Ala; replaces valine 673 with alanine.
Molecular consequence: missense variant.
Genome position (GRCh38, 1-based): chr4:105,235,960, T>C. VCF-style: chr4-105235960-T-C. GRCh37 (hg19) VCF-style: chr4-106157117-T-C.
Other names: c.2018T>C, p.Val673Ala (NM_017628.4); short protein forms V673A.
Identifiers: ClinVar variation 3967665 (VCV003967665.1).

ClinVar aggregate classification (germline): Uncertain significance (1 of 4 stars; one submission).

gnomAD v4.1: 1 of 1,614,188 alleles (0.000062%); highest among the groups gnomAD compares: Non-Finnish European, 0.000085%; no homozygotes.

Submission:

Ambry Genetics
Classification: Uncertain significance. Last evaluated: 2025-05-24. Review status: criteria provided, single submitter. Criteria: Ambry Variant Classification Scheme 2023. Collection method: clinical testing. Allele origin: germline.
Comment: The p.V673A variant (also known as c.2018T>C), located in coding exon 1 of the TET2 gene, results from a T to C substitution at nucleotide position 2018. The valine at codon 673 is replaced by alanine, an amino acid with similar properties. This amino acid position is conserved. In addition, this alteration is predicted to be tolerated by in silico analysis. Based on the available evidence, the clinical significance of this variant remains unclear.